The following is an entry in ClinVar:

ClinVar aggregate classification (germline): Uncertain significance (1 of 4 stars; one submission).

Submission:

Labcorp Genetics (formerly Invitae), Labcorp
Classification: Uncertain significance. Last evaluated: 2022-10-25. Review status: criteria provided, single submitter. Criteria: Invitae Variant Classification Sherloc (09022015). Collection method: clinical testing. Allele origin: germline.
Comment: In summary, the available evidence is currently insufficient to determine the role of this variant in disease. Therefore, it has been classified as a Variant of Uncertain Significance. Algorithms developed to predict the effect of missense changes on protein structure and function (SIFT, PolyPhen-2, Align-GVGD) all suggest that this variant is likely to be tolerated. ClinVar contains an entry for this variant (Variation ID: 1354179). This variant has not been reported in the literature in individuals affected with PSMB4-related conditions. This variant is not present in population databases (gnomAD no frequency). This sequence change replaces alanine, which is neutral and non-polar, with threonine, which is neutral and polar, at codon 140 of the PSMB4 protein (p.Ala140Thr).

NM_002796.3(PSMB4):c.418G>A (p.Ala140Thr)

Gene: PSMB4 (proteasome 20S subunit beta 4; plus strand). Cytogenetic location: 1q21.3.
Variant type: single nucleotide variant.
Coding change: c.418G>A on transcript NM_002796.3 (MANE Select); coding-DNA position 418, G replaced by A.
Protein change: p.Ala140Thr; replaces alanine 140 with threonine.
Molecular consequence: missense variant.
Genome position (GRCh38, 1-based): chr1:151,400,512, G>A. VCF-style: chr1-151400512-G-A. GRCh37 (hg19) VCF-style: chr1-151372988-G-A.
Other names: short protein forms A140T.
Identifiers: ClinVar variation 1354179 (VCV001354179.8), dbSNP rs2102121832, ClinGen allele CA341924154.